The following is an entry in ClinVar:

ClinVar aggregate classification (germline): Uncertain significance (1 of 4 stars; one submission).

gnomAD v4.1: 16 of 1,612,940 alleles (0.00099%); highest among the groups gnomAD compares: South Asian, 0.0022%; no homozygotes.

Submission:

Labcorp Genetics (formerly Invitae), Labcorp
Classification: Uncertain significance. Last evaluated: 2024-04-15. Review status: criteria provided, single submitter. Criteria: Invitae Variant Classification Sherloc (09022015). Collection method: clinical testing. Allele origin: germline.
Comment: This sequence change replaces glutamic acid, which is acidic and polar, with lysine, which is basic and polar, at codon 2215 of the HSPG2 protein (p.Glu2215Lys). This variant is present in population databases (rs774844505, gnomAD 0.003%). This variant has not been reported in the literature in individuals affected with HSPG2-related conditions. An algorithm developed to predict the effect of missense changes on protein structure and function (PolyPhen-2) suggests that this variant is likely to be disruptive. In summary, the available evidence is currently insufficient to determine the role of this variant in disease. Therefore, it has been classified as a Variant of Uncertain Significance.

NM_005529.7(HSPG2):c.6643G>A (p.Glu2215Lys)

Genes: HSPG2 (heparan sulfate proteoglycan 2; minus strand), LOC126805655 (CDK7 strongly-dependent group 2 enhancer GRCh37_chr1:22178409-22179608; plus strand). Cytogenetic location: 1p36.12.
Variant type: single nucleotide variant.
Coding change: c.6643G>A on transcript NM_005529.7 (MANE Select); coding-DNA position 6643, G replaced by A.
Protein change: p.Glu2215Lys; replaces glutamic acid 2215 with lysine.
Molecular consequence: missense variant.
Genome position (GRCh38, 1-based): chr1:21,852,781, C>T on the plus strand (G>A on the coding strand, the complement: HSPG2 is on the minus strand). VCF-style: chr1-21852781-C-T. GRCh37 (hg19) VCF-style: chr1-22179274-C-T.
Other names: c.6646G>A, p.Glu2216Lys (NM_001291860.2); short protein forms E2215K, E2216K.
Identifiers: ClinVar variation 3605278 (VCV003605278.2).